The following is an entry in ClinVar:

NM_000051.4(ATM):c.7128T>C (p.Ser2376=)

Genes: ATM (ATM serine/threonine kinase; plus strand), C11orf65 (chromosome 11 open reading frame 65; minus strand). Cytogenetic location: 11q22.3.
Variant type: single nucleotide variant.
Coding change: c.7128T>C on transcript NM_000051.4 (MANE Select); coding-DNA position 7128, T replaced by C.
Protein change: p.Ser2376=; no amino-acid change (serine 2376 retained).
Molecular consequence: synonymous variant. On other transcripts: intron variant (2).
Genome position (GRCh38, 1-based): chr11:108,329,059, T>C. VCF-style: chr11-108329059-T-C. GRCh37 (hg19) VCF-style: chr11-108199786-T-C.
Other names: c.7128T>C, p.Ser2376= (NM_001351834.2); c.641-19988A>G (NM_001330368.2); c.*38+6161A>G (NM_001351110.2).
Identifiers: ClinVar variation 1619181 (VCV001619181.10), dbSNP rs2136412428, ClinGen allele CA476676684.

ClinVar aggregate classification (germline): Benign/Likely benign. Review status: criteria provided, multiple submitters, no conflicts (2 of 4 stars). 2 submissions from 2 submitters: Benign (1); Likely benign (1). Last evaluated 2024-06-13.

Conditions:
Familial cancer of breast. Also called: BREAST CANCER, FAMILIAL; Hereditary breast cancer; hereditary breast carcinoma. Identifiers: Orphanet 227535, MedGen C0346153, MONDO:0016419, OMIM 114480. Disease mechanism: loss of function.
Ataxia-telangiectasia syndrome (AT). Also called: LOUIS-BAR SYNDROME; Cerebello-oculocutaneous telangiectasia; Immunodeficiency with ataxia telangiectasia; Ataxia telangiectasia (A-T); Ataxia-telangiectasia, complementation group D; AT, COMPLEMENTATION GROUP C. Identifiers: Orphanet 100, MedGen C0004135, MONDO:0008840, OMIM 208900.

Submissions (2):

Myriad Genetics, Inc.
Classification: Benign for Familial cancer of breast. Last evaluated: 2024-06-13. Review status: criteria provided, single submitter. Criteria: Myriad Autosomal Dominant, Autosomal Recessive and X-Linked Classification Criteria (2023). Collection method: clinical testing. Allele origin: unknown.
Comment: This variant is considered benign. This variant is a silent/synonymous amino acid change and it is not expected to impact splicing.

Labcorp Genetics (formerly Invitae), Labcorp
Classification: Likely benign for Ataxia-telangiectasia syndrome. Last evaluated: 2021-11-26. Review status: criteria provided, single submitter. Criteria: Invitae Variant Classification Sherloc (09022015). Collection method: clinical testing. Allele origin: germline.